The following is an entry in ClinVar:

ClinVar aggregate classification (germline): Uncertain significance (1 of 4 stars; one submission).

Conditions:
RAI1-related disorder. Also called: RAI1-related condition.

Submission:

PreventionGenetics, part of Exact Sciences
Classification: Uncertain significance for RAI1-related condition. Last evaluated: 2025-02-26. Review status: criteria provided, single submitter. Criteria: ACMG Guidelines, 2015. Collection method: clinical testing. Allele origin: germline.
Comment: The RAI1 c.943G>C variant is predicted to result in the amino acid substitution p.Gly315Arg. To our knowledge, this variant has not been reported in the literature or in a large population database (gnomAD), indicating this variant is rare. At this time, the clinical significance of this variant is uncertain due to the absence of conclusive functional and genetic evidence.

NM_030665.4(RAI1):c.943G>C (p.Gly315Arg)

Gene: RAI1 (retinoic acid induced 1; plus strand). Cytogenetic location: 17p11.2.
Variant type: single nucleotide variant.
Coding change: c.943G>C on transcript NM_030665.4 (MANE Select); coding-DNA position 943, G replaced by C.
Protein change: p.Gly315Arg; replaces glycine 315 with arginine.
Molecular consequence: missense variant.
Genome position (GRCh38, 1-based): chr17:17,793,891, G>C. VCF-style: chr17-17793891-G-C. GRCh37 (hg19) VCF-style: chr17-17697205-G-C.
Other names: short protein forms G315R.
Identifiers: ClinVar variation 5000009 (VCV005000009.1).